The following is an entry in ClinVar:

ClinVar aggregate classification (germline): Conflicting classifications of pathogenicity. Review status: criteria provided, conflicting classifications (1 of 4 stars). 3 submissions from 3 submitters: Uncertain significance (2); Likely benign (1). Last evaluated 2025-05-21.

Conditions:
Psoriasis 2. Identifiers: MedGen C1864497, MONDO:0011269, OMIM 602723.
Pityriasis rubra pilaris (PRP). Also called: Pityriasis rubra pilaris--familial type. Identifiers: Orphanet 2897, MedGen C0032027, MONDO:0100017, OMIM 173200, MONDO:0008251.
Inborn genetic diseases. Identifiers: MedGen C0950123, MeSH D030342.

Allele frequency attached by ClinVar (database versions not stated): gnomAD 0.00006; ExAC 0.00008; ESP Exome Variant Server 0.00023.
gnomAD v4.1: 91 of 1,613,538 alleles (0.0056%); highest among the groups gnomAD compares: African/African-American, 0.0093%; no homozygotes.

Submissions (3):

Mayo Clinic Laboratories, Mayo Clinic
Classification: Uncertain significance. Last evaluated: 2025-05-21. Review status: criteria provided, single submitter. Criteria: ACMG Guidelines, 2015. Collection method: clinical testing. Allele origin: germline. Observed: 2 variant alleles.
Comment: BP4_moderate

Labcorp Genetics (formerly Invitae), Labcorp
Classification: Likely benign for Pityriasis rubra pilaris; Psoriasis 2. Last evaluated: 2025-03-09. Review status: criteria provided, single submitter. Criteria: Invitae Variant Classification Sherloc (09022015). Collection method: clinical testing. Allele origin: germline.

Ambry Genetics
Classification: Uncertain significance for Inborn genetic diseases. Last evaluated: 2022-09-27. Review status: criteria provided, single submitter. Criteria: Ambry Variant Classification Scheme 2023. Collection method: clinical testing. Allele origin: germline.

NM_001366385.1(CARD14):c.1178C>T (p.Thr393Met)

Gene: CARD14 (caspase recruitment domain family member 14; plus strand). Cytogenetic location: 17q25.3.
Variant type: single nucleotide variant.
Coding change: c.1178C>T on transcript NM_001366385.1 (MANE Select); coding-DNA position 1178, C replaced by T.
Protein change: p.Thr393Met; replaces threonine 393 with methionine.
Molecular consequence: missense variant. On other transcripts: non-coding transcript variant (1).
Genome position (GRCh38, 1-based): chr17:80,191,411, C>T. VCF-style: chr17-80191411-C-T. GRCh37 (hg19) VCF-style: chr17-78165210-C-T.
Other names: p.Thr393Met; c.1178C>T, p.Thr393Met (NM_001257970.1, NM_024110.4); c.467C>T, p.Thr156Met (NM_052819.3); c.1178C>T (NM_024110.3); short protein forms T156M, T393M.
Identifiers: ClinVar variation 1588901 (VCV001588901.14), dbSNP rs149287760, ClinGen allele CA8816697.
Genomic context (GRCh38, chr17:80,191,411, plus strand): 5'-GGGAGATTTCCCAGAGCCTGGTGGAGAAGGACTCCCTCCGCAGGCAGGTGTTCGAGCTGA[C>T]GGACCAGGTCTGCGAGCTGCGCACACAGCTTCGCCAGCTGCAGGCAGAGCCTCCGGGTGT-3'
Protein context (NP_001353314.1, residues 383-403): DSLRRQVFEL[Thr393Met]DQVCELRTQL